The following is an entry in ClinVar:

NM_002430.3(MN1):c.3706_3709del (p.Val1236fs)

Gene: MN1 (MN1 proto-oncogene, transcriptional regulator; minus strand). Cytogenetic location: 22q12.1.
Variant type: Deletion.
Coding change: c.3706_3709del on transcript NM_002430.3 (MANE Select); coding-DNA positions 3706 to 3709, 4 bases deleted (GTGG; older notation c.3706_3709delGTGG).
Protein change: p.Val1236fs; shifts the reading frame from valine 1236.
Molecular consequence: frameshift variant.
Genome position (GRCh38, 1-based): chr22:27,796,835-27,796,838, CCAC deleted on the plus strand (GTGG on the coding strand, the reverse complement: MN1 is on the minus strand); deleting any 4 consecutive bases within chr22:27,796,835-27,796,839 gives the same sequence; the c. name uses the placement nearest the transcript's 3' end. VCF-style (leftmost placement, unchanged base first): chr22-27796834-TCCAC-T. GRCh37 (hg19) VCF-style: chr22-28192822-TCCAC-T.
Other names: short protein forms V1236fs.
Identifiers: ClinVar variation 3397242 (VCV003397242.2).

ClinVar aggregate classification (germline): Uncertain significance (1 of 4 stars; one submission).

Conditions:
Inborn genetic diseases. Identifiers: MedGen C0950123, MeSH D030342.

Submission:

Ambry Genetics
Classification: Uncertain significance for Inborn genetic diseases. Last evaluated: 2026-04-17. Review status: criteria provided, single submitter. Criteria: Ambry Variant Classification Scheme 2023. Collection method: clinical testing. Allele origin: germline.
Comment: The c.3706_3709delGTGG (p.V1236Tfs*83) alteration, located in exon 1 (coding exon 1) of the MN1 gene, consists of a deletion of 4 nucleotides from position 3706 to 3709, causing a translational frameshift with a predicted alternate stop codon after 83 amino acids. This alteration occurs at the 3' terminus of the MN1 gene, is not expected to trigger nonsense-mediated mRNA decay, and only impacts the last 6.4% of the protein. The exact functional effect of this alteration is unknown. This variant was not reported in population-based cohorts in the Genome Aggregation Database (gnomAD). Based on insufficient or conflicting evidence, the clinical significance of this alteration remains unclear.